The following is an entry in ClinVar:

ClinVar aggregate classification (germline): Conflicting classifications of pathogenicity. Review status: criteria provided, conflicting classifications (1 of 4 stars). 6 submissions from 6 submitters: Likely pathogenic (1); Uncertain significance (5). Last evaluated 2025-09-10.

Conditions:
Hereditary cancer-predisposing syndrome. Also called: Neoplastic Syndromes, Hereditary; Hereditary neoplastic syndrome; Tumor predisposition; Hereditary Cancer Syndrome. Identifiers: Orphanet 140162, MedGen C0027672, MeSH D009386, MONDO:0015356.
Familial adenomatous polyposis 2. Also called: COLORECTAL ADENOMATOUS POLYPOSIS, AUTOSOMAL RECESSIVE; MYH-associated polyposis; FAP type 2; MUTYH-related attenuated familial adenomatous polyposis; MUTYH-associated polyposis; MUTYH Polyposis. Identifiers: Orphanet 220460, Orphanet 247798, MedGen C3272841, MONDO:0012041, OMIM 608456.

Allele frequency attached by ClinVar (database versions not stated): gnomAD exomes 0.00001 and below 0.00001; gnomAD 0.00001; ExAC 0.00001; TOPMed 0.00002.
gnomAD v4.1: 2 of 1,613,616 alleles (0.00012%); highest among the groups gnomAD compares: African/African-American, 0.0027%; no homozygotes.

Submissions (6):

Labcorp Genetics (formerly Invitae), Labcorp
Classification: Uncertain significance for Familial adenomatous polyposis 2. Last evaluated: 2025-09-10. Review status: criteria provided, single submitter. Criteria: Invitae Variant Classification Sherloc (09022015). Collection method: clinical testing. Allele origin: germline.
Comment: This sequence change falls in intron 1 of the MUTYH gene. It does not directly change the encoded amino acid sequence of the MUTYH protein. It affects a nucleotide within the consensus splice site. This variant is present in population databases (rs759654665, gnomAD 0.01%). This variant has not been reported in the literature in individuals affected with MUTYH-related conditions. ClinVar contains an entry for this variant (Variation ID: 234074). Variants that disrupt the consensus splice site are a relatively common cause of aberrant splicing (PMID: 17576681, 9536098). Studies have shown that this variant is associated with inconclusive levels of altered splicing (internal data). In summary, the available evidence is currently insufficient to determine the role of this variant in disease. Therefore, it has been classified as a Variant of Uncertain Significance.

Quest Diagnostics Nichols Institute San Juan Capistrano
Classification: Uncertain significance. Last evaluated: 2025-09-02. Review status: criteria provided, single submitter. Criteria: Quest Diagnostics criteria. Collection method: clinical testing. Allele origin: unknown.
Comment: The MUTYH c.36+3A>T variant has not been reported in individuals with MUTYH-related conditions in the published literature. The frequency of this variant in the general population (Genome Aggregation Database) is uninformative in the assessment of its pathogenicity. Analysis of this variant using software algorithms for the prediction of the effect of nucleotide changes on splicing yielded predictions that this variant may affect proper MUTYH mRNA splicing. Based on the available information, we are unable to determine the clinical significance of this variant.

Ambry Genetics
Classification: Uncertain significance for Hereditary cancer-predisposing syndrome. Last evaluated: 2025-06-02. Review status: criteria provided, single submitter. Criteria: Ambry Variant Classification Scheme 2023. Collection method: clinical testing. Allele origin: germline.
Comment: The c.36+3A>T intronic variant results from an A to T substitution 3 nucleotides after coding exon 1 in the MUTYH gene. This nucleotide position is not well conserved in available vertebrate species. In silico splice site analysis predicts that this alteration will weaken the native splice donor site and may result in the creation or strengthening of a novel splice donor site; however, direct evidence is insufficient at this time (Ambry internal data). Since supporting evidence is limited at this time, the clinical significance of this alteration remains unclear.

GeneDx
Classification: Uncertain significance. Last evaluated: 2023-10-03. Review status: criteria provided, single submitter. Criteria: GeneDx Variant Classification Process June 2021. Collection method: clinical testing. Allele origin: germline.
Comment: Not observed at significant frequency in large population cohorts (gnomAD); In silico analysis supports a deleterious effect on splicing; Has not been previously published as pathogenic or benign to our knowledge

Baylor Genetics
Classification: Likely pathogenic for Familial adenomatous polyposis 2. Last evaluated: 2023-07-13. Review status: criteria provided, single submitter. Criteria: ACMG Guidelines, 2015. Collection method: clinical testing. Allele origin: unknown.

Color Diagnostics, LLC DBA Color Health
Classification: Uncertain significance for Hereditary cancer-predisposing syndrome. Last evaluated: 2019-06-30. Review status: criteria provided, single submitter. Criteria: ACMG Guidelines, 2015. Collection method: clinical testing. Allele origin: germline.

Literature cited by the submitters: PubMed 17576681 (cited by Labcorp Genetics (formerly Invitae), Labcorp); PubMed 9536098 (cited by Labcorp Genetics (formerly Invitae), Labcorp).

NM_001128425.2(MUTYH):c.36+3A>T

Genes: MUTYH (mutY DNA glycosylase; minus strand), TOE1 (target of EGR1, exonuclease; plus strand). Cytogenetic location: 1p34.1.
Variant type: single nucleotide variant.
Coding change: c.36+3A>T on transcript NM_001128425.2 (MANE Plus Clinical); 3 bases into the intron after coding-DNA position 36, A replaced by T.
Molecular consequence: intron variant. On other transcripts: 5 prime UTR variant (3).
Genome position (GRCh38, 1-based): chr1:45,340,216, T>A on the plus strand (A>T on the coding strand, the complement: MUTYH is on the minus strand). VCF-style: chr1-45340216-T-A. GRCh37 (hg19) VCF-style: chr1-45805888-T-A.
Other names: c.-37T>A (NM_025077.4); c.-20A>T (NM_001407070.1, NM_001407071.1); c.-7+7A>T (NM_001407072.1); c.-214+3A>T (NM_001350651.2); c.-219+3A>T (NM_001293192.2); c.-278+3A>T (NM_001350650.2); c.36+3A>T (NM_001407073.1, NM_001293190.2, NM_001407069.1 and 1 more transcripts); c.-7+3A>T (NM_001048171.2).
Identifiers: ClinVar variation 234074 (VCV000234074.27), dbSNP rs759654665, ClinGen allele CA089483.